The following is an entry in ClinVar:

NM_024989.4(PGAP1):c.1496G>A (p.Gly499Glu)

Gene: PGAP1 (post-GPI attachment to proteins inositol deacylase 1; minus strand). Cytogenetic location: 2q33.1.
Variant type: single nucleotide variant.
Coding change: c.1496G>A on transcript NM_024989.4 (MANE Select); coding-DNA position 1496, G replaced by A.
Protein change: p.Gly499Glu; replaces glycine 499 with glutamic acid.
Molecular consequence: missense variant.
Genome position (GRCh38, 1-based): chr2:196,873,689, C>T on the plus strand (G>A on the coding strand, the complement: PGAP1 is on the minus strand). VCF-style: chr2-196873689-C-T. GRCh37 (hg19) VCF-style: chr2-197738413-C-T.
Other names: c.974G>A, p.Gly325Glu (NM_001321099.2); c.329G>A, p.Gly110Glu (NM_001321100.2); short protein forms G110E, G325E, G499E.
Identifiers: ClinVar variation 2420875 (VCV002420875.5), dbSNP rs201928408, ClinGen allele CA2040905.
Genomic context (GRCh38, chr2:196,873,689, plus strand): 5'-TAAAGTAAACATTAAAGTAAAATCAAATCCTTTTTCTTGTAGTCAGGATTAATTACCTGT[C>T]CAAAGTTCAGAAGCTCTAGATTGTAGTATAGGCCATTTGTATTTAACACCACTTTCCTTG-3'
Protein context (NP_079265.2, residues 489-509): LYYNLELLNF[Gly499Glu]QIYQAFKINV

ClinVar aggregate classification (germline): Uncertain significance (1 of 4 stars; one submission).

Conditions:
Intellectual disability, autosomal recessive 42 (NEDDSBA). Also called: GLYCOSYLPHOSPHATIDYLINOSITOL BIOSYNTHESIS DEFECT 9; Neurodevelopmental disorder with dysmorphic features, spasticity, and brain abnormalities. Identifiers: Orphanet 88616, MedGen C4014343, MONDO:0014348, OMIM 615802.

Allele frequency attached by ClinVar (database versions not stated): gnomAD 0.00005; TOPMed 0.00006; ESP Exome Variant Server 0.00008; gnomAD exomes 0.00016; ExAC 0.00017.
gnomAD v4.1: 239 of 1,610,056 alleles (0.015%); highest among the groups gnomAD compares: Non-Finnish European, 0.02%; no homozygotes.

Submission:

Labcorp Genetics (formerly Invitae), Labcorp
Classification: Uncertain significance for Intellectual disability, autosomal recessive 42. Last evaluated: 2022-02-08. Review status: criteria provided, single submitter. Criteria: Invitae Variant Classification Sherloc (09022015). Collection method: clinical testing. Allele origin: germline.
Comment: This sequence change replaces glycine, which is neutral and non-polar, with glutamic acid, which is acidic and polar, at codon 499 of the PGAP1 protein (p.Gly499Glu). This variant is present in population databases (rs201928408, gnomAD 0.02%). This variant has not been reported in the literature in individuals affected with PGAP1-related conditions. Algorithms developed to predict the effect of missense changes on protein structure and function (SIFT, PolyPhen-2, Align-GVGD) all suggest that this variant is likely to be tolerated. In summary, the available evidence is currently insufficient to determine the role of this variant in disease. Therefore, it has been classified as a Variant of Uncertain Significance.